The following is an entry in ClinVar:

NM_001267550.2(TTN):c.9472-26del

Gene: TTN (titin; minus strand). Cytogenetic location: 2q31.2.
Variant type: Deletion.
Coding change: c.9472-26del on transcript NM_001267550.2 (MANE Select); 26 bases into the intron before coding-DNA position 9472, one base deleted (G; older notation c.9472-26delG).
Molecular consequence: intron variant.
Genome position (GRCh38, 1-based): chr2:178,766,638, C deleted on the plus strand (G on the coding strand, the reverse complement: TTN is on the minus strand). VCF-style (leftmost placement, unchanged base first): chr2-178766637-AC-A. GRCh37 (hg19) VCF-style: chr2-179631364-AC-A.
Other names: c.9334-26del (NM_003319.4, NM_133437.4, NM_133432.3); c.9472-26del (NM_133378.4, NM_001256850.1, NM_133379.5); c.9472-26delG (NM_001256850.1).
Identifiers: ClinVar variation 671328 (VCV000671328.1), dbSNP rs140501763, ClinGen allele CA2004316.

ClinVar aggregate classification (germline): Benign (1 of 4 stars; one submission).

Allele frequency attached by ClinVar (database versions not stated): ExAC 0.06607; gnomAD exomes 0.06986 and 0.04037; 1000 Genomes Project 0.08466; gnomAD 0.04931 and 0.05331; TOPMed 0.05542.

Submission:

GeneDx
Classification: Benign. Last evaluated: 2018-06-16. Review status: criteria provided, single submitter. Criteria: GeneDx Variant Classification (06012015). Collection method: clinical testing. Allele origin: germline. Affected: yes.
Comment: This variant is considered likely benign or benign based on one or more of the following criteria: it is a conservative change, it occurs at a poorly conserved position in the protein, it is predicted to be benign by multiple in silico algorithms, and/or has population frequency not consistent with disease.